The following is an entry in ClinVar:

ClinVar aggregate classification (germline): Likely pathogenic (1 of 4 stars; one submission).

Submission:

ARUP Laboratories, Molecular Genetics and Genomics, ARUP Laboratories
Classification: Likely pathogenic. Last evaluated: 2024-07-18. Review status: criteria provided, single submitter. Criteria: ARUP Molecular Germline Variant Investigation Process 2024. Collection method: clinical testing. Allele origin: germline.
Comment: The F8 c.1210T>G; p.Tyr404Asp variant is reported in the literature in an individual with severe hemophilia A (Ravanbod 2012). This variant is absent from the Genome Aggregation Database (v2.1.1), indicating it is not a common polymorphism. Computational analyses predict that this variant is deleterious (REVEL: 0.96). Additionally, a different variant at this codon (Tyr404Ser) is reported in an individual with hemophilia A (Zhang 2023). Based on available information, the p.Tyr404Asp variant is considered to be likely pathogenic. References: Ravanbod S et al. Identification of 123 previously unreported mutations in the F8 gene of Iranian patients with haemophilia A. Haemophilia. 2012 May;18(3):e340-6. PMID: 22117735. Zhang X et al. Molecular Diagnosis of Hemophilia A and Pathogenesis of Novel F8 Variants in Shanxi, China. Glob Med Genet. 2023 Sep 13;10(3):247-262. PMID: 37711502.

NM_000132.4(F8):c.1210T>G (p.Tyr404Asp)

Gene: F8 (coagulation factor VIII; minus strand). Cytogenetic location: Xq28.
Variant type: single nucleotide variant.
Coding change: c.1210T>G on transcript NM_000132.4 (MANE Select); coding-DNA position 1210, T replaced by G.
Protein change: p.Tyr404Asp; replaces tyrosine 404 with aspartic acid.
Molecular consequence: missense variant.
Genome position (GRCh38, 1-based): chrX:154,966,487, A>C on the plus strand (T>G on the coding strand, the complement: F8 is on the minus strand). VCF-style: chrX-154966487-A-C. GRCh37 (hg19) VCF-style: chrX-154194762-A-C.
Other names: short protein forms Y404D.
Identifiers: ClinVar variation 3766736 (VCV003766736.1).